The following is an entry in ClinVar:

ClinVar aggregate classification (germline): Uncertain significance. Review status: criteria provided, multiple submitters, no conflicts (2 of 4 stars). 2 submissions from 2 submitters: Uncertain significance (2). Last evaluated 2025-11-12.

Conditions:
Progressive myoclonic epilepsy type 5. Identifiers: Orphanet 402082, MedGen C5190799.

Allele frequency attached by ClinVar (database versions not stated): gnomAD 0.00001; gnomAD exomes 0.00001; TOPMed 0.00002.
gnomAD v4.1: 16 of 1,612,344 alleles (0.00099%); highest among the groups gnomAD compares: Non-Finnish European, 0.0014%; no homozygotes.

Submissions (2):

Labcorp Genetics (formerly Invitae), Labcorp
Classification: Uncertain significance for Progressive myoclonic epilepsy type 5. Last evaluated: 2025-11-12. Review status: criteria provided, single submitter. Criteria: Invitae Variant Classification Sherloc (09022015). Collection method: clinical testing. Allele origin: germline.
Comment: This sequence change replaces arginine, which is basic and polar, with glutamine, which is neutral and polar, at codon 741 of the PRICKLE2 protein (p.Arg741Gln). This variant is present in population databases (rs202197921, gnomAD 0.002%). This variant has not been reported in the literature in individuals affected with PRICKLE2-related conditions. ClinVar contains an entry for this variant (Variation ID: 2068724). Invitae Evidence Modeling of protein sequence and biophysical properties (such as structural, functional, and spatial information, amino acid conservation, physicochemical variation, residue mobility, and thermodynamic stability) indicates that this missense variant is not expected to disrupt PRICKLE2 protein function with a negative predictive value of 80%. In summary, the available evidence is currently insufficient to determine the role of this variant in disease. Therefore, it has been classified as a Variant of Uncertain Significance.

Ambry Genetics
Classification: Uncertain significance. Last evaluated: 2021-07-08. Review status: criteria provided, single submitter. Criteria: Ambry Variant Classification Scheme 2023. Collection method: clinical testing. Allele origin: germline.

NM_198859.4(PRICKLE2):c.2222G>A (p.Arg741Gln)

Genes: PRICKLE2-AS1 (PRICKLE2 antisense RNA 1; plus strand), PRICKLE2 (prickle planar cell polarity protein 2; minus strand). Cytogenetic location: 3p14.1.
Variant type: single nucleotide variant.
Coding change: c.2222G>A on transcript NM_198859.4 (MANE Select); coding-DNA position 2222, G replaced by A.
Protein change: p.Arg741Gln; replaces arginine 741 with glutamine.
Molecular consequence: missense variant. On other transcripts: non-coding transcript variant (1).
Genome position (GRCh38, 1-based): chr3:64,099,364, C>T on the plus strand (G>A on the coding strand, the complement: PRICKLE2 is on the minus strand). VCF-style: chr3-64099364-C-T. GRCh37 (hg19) VCF-style: chr3-64085040-C-T.
Other names: c.2222G>A, p.Arg741Gln (NM_001370528.1); short protein forms R741Q.
Identifiers: ClinVar variation 2068724 (VCV002068724.3), dbSNP rs202197921, ClinGen allele CA75715905.